The following is an entry in ClinVar:

ClinVar aggregate classification (germline): Uncertain significance (1 of 4 stars; one submission).

Allele frequency attached by ClinVar (database versions not stated): gnomAD exomes below 0.00001; TOPMed below 0.00001.
gnomAD v4.1: 1 of 1,611,078 alleles (0.000062%); highest among the groups gnomAD compares: Non-Finnish European, 0.000085%; no homozygotes.

Submission:

Labcorp Genetics (formerly Invitae), Labcorp
Classification: Uncertain significance. Last evaluated: 2025-08-12. Review status: criteria provided, single submitter. Criteria: Invitae Variant Classification Sherloc (09022015). Collection method: clinical testing. Allele origin: germline.
Comment: This sequence change replaces valine, which is neutral and non-polar, with leucine, which is neutral and non-polar, at codon 631 of the EMC1 protein (p.Val631Leu). This variant is not present in population databases (gnomAD no frequency). This variant has not been reported in the literature in individuals affected with EMC1-related conditions. ClinVar contains an entry for this variant (Variation ID: 1040552). Invitae Evidence Modeling of protein sequence and biophysical properties (such as structural, functional, and spatial information, amino acid conservation, physicochemical variation, residue mobility, and thermodynamic stability) indicates that this missense variant is not expected to disrupt EMC1 protein function with a negative predictive value of 80%. In summary, the available evidence is currently insufficient to determine the role of this variant in disease. Therefore, it has been classified as a Variant of Uncertain Significance.

NM_015047.3(EMC1):c.1891G>C (p.Val631Leu)

Genes: EMC1 (ER membrane protein complex subunit 1; minus strand), EMC1-AS1 (EMC1 antisense RNA 1; plus strand). Cytogenetic location: 1p36.13.
Variant type: single nucleotide variant.
Coding change: c.1891G>C on transcript NM_015047.3 (MANE Select); coding-DNA position 1891, G replaced by C.
Protein change: p.Val631Leu; replaces valine 631 with leucine.
Molecular consequence: missense variant.
Genome position (GRCh38, 1-based): chr1:19,231,314, C>G on the plus strand (G>C on the coding strand, the complement: EMC1 is on the minus strand). VCF-style: chr1-19231314-C-G. GRCh37 (hg19) VCF-style: chr1-19557808-C-G.
Other names: c.1888G>C, p.Val630Leu (NM_001271427.2, NM_001271428.2); c.1825G>C, p.Val609Leu (NM_001271429.2); c.1900G>C, p.Val634Leu (NM_001375820.1); c.1897G>C, p.Val633Leu (NM_001375821.1); short protein forms V634L, V609L, V630L, V633L, V631L.
Identifiers: ClinVar variation 1040552 (VCV001040552.7), dbSNP rs2093519912, ClinGen allele CA338759370.
Genomic context (GRCh38, chr1:19,231,314, plus strand): 5'-ACAGTACCTTGTATTCATCATCTATCAACAGCAACACCTTGGCGTAGTCTTGATCCATGA[C>G]TGGGAGAAGCAAGGACTGCAAGATGGGGCGCTTCAGCACTGGGGGAGCTACCTGACTCCA-3'
Protein context (NP_055862.1, residues 621-641): RPILQSLLLP[Val631Leu]MDQDYAKVLL